The following is an entry in ClinVar:

NM_052844.4(DYNC2I2):c.178T>G (p.Trp60Gly)

Gene: DYNC2I2 (dynein 2 intermediate chain 2; minus strand). Cytogenetic location: 9q34.11.
Variant type: single nucleotide variant.
Coding change: c.178T>G on transcript NM_052844.4 (MANE Select); coding-DNA position 178, T replaced by G.
Protein change: p.Trp60Gly; replaces tryptophan 60 with glycine.
Molecular consequence: missense variant.
Genome position (GRCh38, 1-based): chr9:128,656,549, A>C on the plus strand (T>G on the coding strand, the complement: DYNC2I2 is on the minus strand). VCF-style: chr9-128656549-A-C. GRCh37 (hg19) VCF-style: chr9-131418828-A-C.
Other names: short protein forms W60G.
Identifiers: ClinVar variation 516203 (VCV000516203.14), dbSNP rs4837292, ClinGen allele CA5266729.

ClinVar aggregate classification (germline): Benign. Review status: criteria provided, multiple submitters, no conflicts (2 of 4 stars). 6 submissions from 6 submitters: Benign (6). Last evaluated 2026-02-04.

Conditions:
Short-rib thoracic dysplasia 11 with or without polydactyly (SRTD11). Also called: SHORT-RIB THORACIC DYSPLASIA 11 WITHOUT POLYDACTYLY. Identifiers: Orphanet 474, Orphanet 93271, MedGen C3810200, MONDO:0014287, OMIM 615633.

Allele frequency attached by ClinVar (database versions not stated): TOPMed 0.99658; gnomAD 0.99672; 1000 Genomes Project 30x 0.99781; ESP Exome Variant Server 0.99841; gnomAD exomes 0.99978 and 0.99980; ExAC 0.99980.

Submissions (6):

Labcorp Genetics (formerly Invitae), Labcorp
Classification: Benign for Short-rib thoracic dysplasia 11 with or without polydactyly. Last evaluated: 2026-02-04. Review status: criteria provided, single submitter. Criteria: Invitae Variant Classification Sherloc (09022015). Collection method: clinical testing. Allele origin: germline.

Blueprint Genetics
Classification: Benign. Last evaluated: 2024-11-27. Review status: criteria provided, single submitter. Criteria: ACMG Guidelines, 2015. Collection method: clinical testing. Allele origin: germline.

Genome-Nilou Lab
Classification: Benign for Short-rib thoracic dysplasia 11 with or without polydactyly. Last evaluated: 2021-12-05. Review status: criteria provided, single submitter. Criteria: ACMG Guidelines, 2015. Collection method: clinical testing. Allele origin: germline. Affected: no.

Mendelics
Classification: Benign for Short-rib thoracic dysplasia 11 with or without polydactyly. Last evaluated: 2019-05-28. Review status: criteria provided, single submitter. Criteria: Mendelics Assertion Criteria 2017. Collection method: clinical testing. Allele origin: unknown.

GeneDx
Classification: Benign. Last evaluated: 2017-11-02. Review status: criteria provided, single submitter. Criteria: GeneDx Variant Classification (06012015). Collection method: clinical testing. Allele origin: germline. Affected: yes.
Comment: This variant is considered likely benign or benign based on one or more of the following criteria: it is a conservative change, it occurs at a poorly conserved position in the protein, it is predicted to be benign by multiple in silico algorithms, and/or has population frequency not consistent with disease.

Breakthrough Genomics
Classification: Benign. Review status: criteria provided, single submitter. Criteria: ACMG Guidelines, 2015. Collection method: not provided. Allele origin: germline. Inheritance: Autosomal recessive inheritance. Affected: yes.